The following is an entry in ClinVar:

ClinVar aggregate classification (germline): Conflicting classifications of pathogenicity. Review status: criteria provided, conflicting classifications (1 of 4 stars). 2 submissions from 2 submitters: Uncertain significance (1); Likely benign (1). Last evaluated 2025-08-01.

Allele frequency attached by ClinVar (database versions not stated): 1000 Genomes Project 30x 0.00094; 1000 Genomes Project 0.00100; TOPMed 0.00168; gnomAD 0.00177; ESP Exome Variant Server 0.00277.
gnomAD v4.1: 4,391 of 1,612,616 alleles (0.27%); highest among the groups gnomAD compares: Non-Finnish European, 0.34%; 8 homozygotes.

Submissions (2):

Ambry Genetics
Classification: Uncertain significance. Last evaluated: 2025-08-01. Review status: criteria provided, single submitter. Criteria: Ambry Variant Classification Scheme 2023. Collection method: clinical testing. Allele origin: germline.

CeGaT Center for Human Genetics Tuebingen
Classification: Likely benign. Last evaluated: 2023-04-01. Review status: criteria provided, single submitter. Criteria: CeGaT Center For Human Genetics Tuebingen Variant Classification Criteria Version 2. Collection method: clinical testing. Allele origin: germline. Affected: yes. Observed: 1 variant allele.
Comment: STYXL2: BP4, BS2

NM_001080426.3(STYXL2):c.3458A>G (p.Gln1153Arg)

Gene: STYXL2 (serine/threonine/tyrosine interacting like 2; plus strand). Cytogenetic location: 1q24.1.
Variant type: single nucleotide variant.
Coding change: c.3458A>G on transcript NM_001080426.3 (MANE Select); coding-DNA position 3458, A replaced by G.
Protein change: p.Gln1153Arg; replaces glutamine 1153 with arginine.
Molecular consequence: missense variant.
Genome position (GRCh38, 1-based): chr1:167,128,589, A>G. VCF-style: chr1-167128589-A-G. GRCh37 (hg19) VCF-style: chr1-167097826-A-G.
Other names: c.3458A>G (NM_001080426.1); short protein forms Q1153R.
Identifiers: ClinVar variation 2639529 (VCV002639529.25), dbSNP rs111745868, ClinGen allele CA1225154.